The following is an entry in ClinVar:

NM_006060.6(IKZF1):c.484C>T (p.Arg162Trp)

Gene: IKZF1 (IKAROS family zinc finger 1; plus strand). Cytogenetic location: 7p12.2.
Variant type: single nucleotide variant.
Coding change: c.484C>T on transcript NM_006060.6 (MANE Select); coding-DNA position 484, C replaced by T.
Protein change: p.Arg162Trp; replaces arginine 162 with tryptophan.
Molecular consequence: missense variant. On other transcripts: intron variant (6).
Genome position (GRCh38, 1-based): chr7:50,382,602, C>T. VCF-style: chr7-50382602-C-T. GRCh37 (hg19) VCF-style: chr7-50450300-C-T.
Other names: c.484C>T, p.Arg162Trp (NM_001220765.3, NM_001220768.2, NM_001291837.2); c.223C>T, p.Arg75Trp (NM_001220767.2, NM_001220770.2, NM_001291838.2 and 1 more transcripts); c.421+5809C>T (NM_001220771.2); c.161-4743C>T (NM_001291841.1, NM_001291842.1); c.161-9127C>T (NM_001291843.1, NM_001291844.1); c.161-17316C>T (NM_001291840.1); short protein forms R75W, R162W.
Identifiers: ClinVar variation 827710 (VCV000827710.49), dbSNP rs1584925614, ClinGen allele CA367530898.

ClinVar aggregate classification (germline): Conflicting classifications of pathogenicity. Review status: criteria provided, conflicting classifications (1 of 4 stars). 5 submissions from 5 submitters: Pathogenic (3); Likely pathogenic (1); Uncertain significance (1). Last evaluated 2026-04-14.

Conditions:
Inherited Immunodeficiency Diseases. Identifiers: MedGen C5197805, MeSH D000081207.
IKZF1-related disorders.

Submissions (5):

GeneDx
Classification: Likely pathogenic. Last evaluated: 2026-04-14. Review status: criteria provided, single submitter. Criteria: GeneDx Variant Classification Process June 2021. Collection method: clinical testing. Allele origin: germline.
Comment: Published functional studies demonstrate a damaging effect as the R162W variant completely abolishes DNA binding (PMID: 27939403); In silico analysis supports that this missense variant has a deleterious effect on protein structure/function; Not observed at significant frequency in large population cohorts (gnomAD); This variant is associated with the following publications: (PMID: 29461212, 25778098, 32084258, 32319000, 32499645, 27939403, 10970879)

Labcorp Genetics (formerly Invitae), Labcorp
Classification: Uncertain significance. Last evaluated: 2024-12-22. Review status: criteria provided, single submitter. Criteria: Invitae Variant Classification Sherloc (09022015). Collection method: clinical testing. Allele origin: germline.
Comment: This sequence change replaces arginine, which is basic and polar, with tryptophan, which is neutral and slightly polar, at codon 162 of the IKZF1 protein (p.Arg162Trp). This variant is not present in population databases (gnomAD no frequency). This missense change has been observed in individual(s) with clinical features of IKZF1-related conditions (PMID: 27939403, 32319000, 32499645). It has also been observed to segregate with disease in related individuals. ClinVar contains an entry for this variant (Variation ID: 827710). Algorithms developed to predict the effect of variants on gene product structure and function are not available or were not evaluated for this variant. Experimental studies have shown that this missense change affects IKZF1 function (PMID: 27939403). In summary, the available evidence is currently insufficient to determine the role of this variant in disease. Therefore, it has been classified as a Variant of Uncertain Significance.

Blueprint Genetics
Classification: Pathogenic for IKZF1-related disorders. Last evaluated: 2021-09-23. Review status: criteria provided, single submitter. Criteria: ACMG Guidelines, 2015. Collection method: clinical testing. Allele origin: germline. Affected: yes. Observed: 1 variant allele.

CeGaT Center for Human Genetics Tuebingen
Classification: Pathogenic. Last evaluated: 2019-05-01. Review status: criteria provided, single submitter. Criteria: CeGaT Center For Human Genetics Tuebingen Variant Classification Criteria Version 2. Collection method: clinical testing. Allele origin: germline. Affected: yes. Observed: 1 variant allele.

NIHR Bioresource Rare Diseases, University of Cambridge
Classification: Pathogenic for Inherited Immunodeficiency Diseases. Last evaluated: 2019-01-01. Review status: criteria provided, single submitter. Criteria: ACMG Guidelines, 2015. Collection method: research. Allele origin: germline. Affected: yes. Observed: 1 heterozygote.

Literature cited by the submitters: PubMed 27939403 (cited by Labcorp Genetics (formerly Invitae), Labcorp); PubMed 32319000 (cited by Labcorp Genetics (formerly Invitae), Labcorp); PubMed 32499645 (cited by Labcorp Genetics (formerly Invitae), Labcorp).